The following is an entry in ClinVar:

NM_003309.4(TSPYL1):c.402C>G (p.Ile134Met)

Genes: DSE (dermatan sulfate epimerase; plus strand), TSPYL1 (TSPY like 1; minus strand), LOC129997035 (ATAC-STARR-seq lymphoblastoid active region 24984; plus strand). Cytogenetic location: 6q22.1.
Variant type: single nucleotide variant.
Coding change: c.402C>G on transcript NM_003309.4 (MANE Select); coding-DNA position 402, C replaced by G.
Protein change: p.Ile134Met; replaces isoleucine 134 with methionine.
Molecular consequence: missense variant. On other transcripts: intron variant (6).
Genome position (GRCh38, 1-based): chr6:116,279,429, G>C on the plus strand (C>G on the coding strand, the complement: TSPYL1 is on the minus strand). VCF-style: chr6-116279429-G-C. GRCh37 (hg19) VCF-style: chr6-116600592-G-C.
Other names: c.-954+20462G>C (NM_001374520.1); c.-54+20462G>C (NM_001322937.2, NM_001322938.2, NM_001374522.1); c.-641+20462G>C (NM_001374521.1); c.-611+20462G>C (NM_001322940.2); short protein forms I134M.
Identifiers: ClinVar variation 1908067 (VCV001908067.5), dbSNP rs747481852, ClinGen allele CA3969301.

ClinVar aggregate classification (germline): Uncertain significance. Review status: criteria provided, multiple submitters, no conflicts (2 of 4 stars). 2 submissions from 2 submitters: Uncertain significance (2). Last evaluated 2023-12-22.

Conditions:
Inborn genetic diseases. Identifiers: MedGen C0950123, MeSH D030342.

Allele frequency attached by ClinVar (database versions not stated): TOPMed 0.00001; gnomAD 0.00001; ExAC 0.00001.
gnomAD v4.1: 38 of 1,613,384 alleles (0.0024%); highest among the groups gnomAD compares: Middle Eastern, 0.082%; no homozygotes.

Submissions (2):

Ambry Genetics
Classification: Uncertain significance for Inborn genetic diseases. Last evaluated: 2023-12-22. Review status: criteria provided, single submitter. Criteria: Ambry Variant Classification Scheme 2023. Collection method: clinical testing. Allele origin: germline.

Labcorp Genetics (formerly Invitae), Labcorp
Classification: Uncertain significance. Last evaluated: 2023-12-07. Review status: criteria provided, single submitter. Criteria: Invitae Variant Classification Sherloc (09022015). Collection method: clinical testing. Allele origin: germline.
Comment: This sequence change replaces isoleucine, which is neutral and non-polar, with methionine, which is neutral and non-polar, at codon 134 of the TSPYL1 protein (p.Ile134Met). This variant is present in population databases (rs747481852, gnomAD 0.0009%). This variant has not been reported in the literature in individuals affected with TSPYL1-related conditions. ClinVar contains an entry for this variant (Variation ID: 1908067). An algorithm developed to predict the effect of missense changes on protein structure and function (PolyPhen-2) suggests that this variant is likely to be tolerated. In summary, the available evidence is currently insufficient to determine the role of this variant in disease. Therefore, it has been classified as a Variant of Uncertain Significance.